The following is an entry in ClinVar:

NM_000540.3(RYR1):c.3948C>T (p.Pro1316=)

Gene: RYR1 (ryanodine receptor 1; plus strand). Cytogenetic location: 19q13.2.
Variant type: single nucleotide variant.
Coding change: c.3948C>T on transcript NM_000540.3 (MANE Select); coding-DNA position 3948, C replaced by T.
Protein change: p.Pro1316=; no amino-acid change (proline 1316 retained).
Molecular consequence: synonymous variant.
Genome position (GRCh38, 1-based): chr19:38,473,559, C>T. VCF-style: chr19-38473559-C-T. GRCh37 (hg19) VCF-style: chr19-38964199-C-T.
Other names: c.3948C>T, p.Pro1316= (NM_001042723.2).
Identifiers: ClinVar variation 5041276 (VCV005041276.1).

ClinVar aggregate classification (germline): Likely benign (1 of 4 stars; one submission).

Submission:

CeGaT Center for Human Genetics Tuebingen
Classification: Likely benign. Last evaluated: 2026-09-01. Review status: criteria provided, single submitter. Criteria: CeGaT Center For Human Genetics Tuebingen Variant Classification Criteria Version 2. Collection method: clinical testing. Allele origin: germline. Affected: yes. Observed: 1 variant allele.
Comment: RYR1: PM2:Supporting, BP4, BP7